The following is an entry in ClinVar:

NM_003937.3(KYNU):c.1301G>A (p.Arg434Gln)

Gene: KYNU (kynureninase; plus strand). Cytogenetic location: 2q22.2.
Variant type: single nucleotide variant.
Coding change: c.1301G>A on transcript NM_003937.3 (MANE Select); coding-DNA position 1301, G replaced by A.
Protein change: p.Arg434Gln; replaces arginine 434 with glutamine.
Molecular consequence: missense variant.
Genome position (GRCh38, 1-based): chr2:143,042,075, G>A. VCF-style: chr2-143042075-G-A. GRCh37 (hg19) VCF-style: chr2-143799644-G-A.
Other names: c.1301G>A, p.Arg434Gln (NM_001199241.2); short protein forms R434Q.
Identifiers: ClinVar variation 4538498 (VCV004538498.2).

ClinVar aggregate classification (germline): Uncertain significance. Review status: criteria provided, single submitter (1 of 4 stars). 2 submissions from 2 submitters: Uncertain significance (1). 1 of the submissions does not count toward it. Last evaluated 2025-08-12.

Conditions:
KYNU-related disorder. Also called: KYNU-related condition; KYNU-related disorders.
Vertebral, cardiac, renal, and limb defects syndrome 2. Also called: KYNURENINASE DEFICIENCY, COMPLETE; CONGENITAL NAD DEFICIENCY DISORDER 2. Identifiers: MedGen C4540014, MONDO:0060555, OMIM 617661.

Submissions (2):

PreventionGenetics, part of Exact Sciences
Classification: Uncertain significance for KYNU-related condition. Last evaluated: 2025-08-12. Review status: criteria provided, single submitter. Criteria: ACMG Guidelines, 2015. Collection method: clinical testing. Allele origin: germline.
Comment: The KYNU c.1301G>A variant is predicted to result in the amino acid substitution p.Arg434Gln. To our knowledge, this variant has not been reported in the literature. This variant is reported in 0.0028% of alleles in individuals of Latino descent in gnomAD. At this time, the clinical significance of this variant is uncertain due to the absence of conclusive functional and genetic evidence.

OMIM
Classification: Pathogenic for VERTEBRAL, CARDIAC, RENAL, AND LIMB DEFECTS SYNDROME 2. Last evaluated: 2025-12-17. Review status: no assertion criteria provided. Collection method: literature only. Allele origin: germline. Not counted in ClinVar's aggregate classification.

Literature cited by the submitters: PubMed 40714656 (cited by OMIM).